The following is an entry in ClinVar:

NM_002633.3(PGM1):c.1144+3A>T

Gene: PGM1 (phosphoglucomutase 1; plus strand). Cytogenetic location: 1p31.3.
Variant type: single nucleotide variant.
Coding change: c.1144+3A>T on transcript NM_002633.3 (MANE Select); 3 bases into the intron after coding-DNA position 1144, A replaced by T.
Molecular consequence: intron variant.
Genome position (GRCh38, 1-based): chr1:63,638,803, A>T. VCF-style: chr1-63638803-A-T. GRCh37 (hg19) VCF-style: chr1-64104474-A-T.
Other names: c.553+3A>T (NM_001172819.2); c.1198+3A>T (NM_001172818.1).
Identifiers: ClinVar variation 2498037 (VCV002498037.2), dbSNP rs1393459956, ClinGen allele CA523567369.
Genomic context (GRCh38, chr1:63,638,803, plus strand): 5'-GGGAATTTGATGGACGCGAGCAAACTGTCCCTTTGTGGGGAGGAGAGCTTCGGGACCGGT[A>T]AGTCACACTCCTGTGCTAGCATTTTCCTCCCTGTAACCACTATTTCCAGTAAAAGCTTAG-3'

ClinVar aggregate classification (germline): Pathogenic/Likely pathogenic. Review status: criteria provided, multiple submitters, no conflicts (2 of 4 stars). 2 submissions from 2 submitters: Pathogenic (1); Likely pathogenic (1). Last evaluated 2023-01-20.

Allele frequency attached by ClinVar (database versions not stated): gnomAD exomes below 0.00001.
gnomAD v4.1: 3 of 1,591,822 alleles (0.00019%); highest among the groups gnomAD compares: Admixed American, 0.005%; no homozygotes.

Submissions (2):

Mayo Clinic Laboratories, Mayo Clinic
Classification: Likely pathogenic. Last evaluated: 2023-01-20. Review status: criteria provided, single submitter. Criteria: ACMG Guidelines, 2015. Collection method: clinical testing. Allele origin: germline. Observed: 1 variant allele.
Comment: PP4, PM2, PS3

GeneDx
Classification: Pathogenic. Last evaluated: 2022-09-15. Review status: criteria provided, single submitter. Criteria: GeneDx Variant Classification Process June 2021. Collection method: clinical testing. Allele origin: germline. Affected: yes.
Comment: Non-canonical splice site variant demonstrated to result in loss of function (Perez B et al., 2013); Not observed at significant frequency in large population cohorts (gnomAD); This variant is associated with the following publications: (PMID: 22976764)

Literature cited by the submitters: PubMed 22976764 (cited by Mayo Clinic Laboratories, Mayo Clinic); PubMed 24878975 (cited by Mayo Clinic Laboratories, Mayo Clinic); PubMed 27206562 (cited by Mayo Clinic Laboratories, Mayo Clinic); PubMed 30653653 (cited by Mayo Clinic Laboratories, Mayo Clinic); PubMed 30737079 (cited by Mayo Clinic Laboratories, Mayo Clinic).